The following is an entry in ClinVar:

ClinVar aggregate classification (germline): Pathogenic (1 of 4 stars; one submission).

Conditions:
Cohen syndrome (COH1). Also called: Cutis verticis gyrata, retinitis pigmentosa, and sensorineural deafness; PEPPER SYNDROME. Identifiers: Orphanet 193, MedGen C0265223, MONDO:0008999, OMIM 216550.

Submission:

Labcorp Genetics (formerly Invitae), Labcorp
Classification: Pathogenic for Cohen syndrome. Last evaluated: 2022-04-08. Review status: criteria provided, single submitter. Criteria: Invitae Variant Classification Sherloc (09022015). Collection method: clinical testing. Allele origin: germline.
Comment: This variant is a gross deletion of the genomic region encompassing exon(s) 20-23 of the VPS13B gene. This variant would be expected to be in-frame, preserving the integrity of the reading frame. This variant has not been reported in the literature in individuals affected with VPS13B-related conditions. This variant disrupts a region of the VPS13B protein in which other variant(s) (Deletion of exons 20-21) have been determined to be pathogenic (PMID: 15141358). This suggests that this is a clinically significant region of the protein, and that variants that disrupt it are likely to be disease-causing. For these reasons, this variant has been classified as Pathogenic.

Literature cited by the submitters: PubMed 15141358.

NC_000008.10:g.(?_100396426)_(100454873_?)del

Gene: VPS13B (vacuolar protein sorting 13 homolog B; plus strand). Cytogenetic location: 8q22.2.
Variant type: Deletion.
Identifiers: ClinVar variation 2426383 (VCV002426383.3).